The following is an entry in ClinVar:

NM_032383.5(HPS3):c.661G>A (p.Val221Ile)

Gene: HPS3 (HPS3 biogenesis of lysosomal organelles complex 2 subunit 1; plus strand). Cytogenetic location: 3q24.
Variant type: single nucleotide variant.
Coding change: c.661G>A on transcript NM_032383.5 (MANE Select); coding-DNA position 661, G replaced by A.
Protein change: p.Val221Ile; replaces valine 221 with isoleucine.
Molecular consequence: missense variant. On other transcripts: intron variant (1).
Genome position (GRCh38, 1-based): chr3:149,140,447, G>A. VCF-style: chr3-149140447-G-A. GRCh37 (hg19) VCF-style: chr3-148858234-G-A.
Other names: c.218-570G>A (NM_001308258.2); c.661G>A (NM_032383.3); short protein forms V221I.
Identifiers: ClinVar variation 2151688 (VCV002151688.3), dbSNP rs143063861, ClinGen allele CA2659848.
Genomic context (GRCh38, chr3:149,140,447, plus strand): 5'-ATGTCAGACTTAGAAGTCTTAATCGTAAAACTGGAGTCAGGCCCTAAAAATGGAGAGAGA[G>A]TTCACCACCATCCACATAAGACCAACAATCGAATAAGACGGACAGAAGAAGGTAAATAAT-3'
Protein context (NP_115759.2, residues 211-231): LESGPKNGER[Val221Ile]HHHPHKTNNR

ClinVar aggregate classification (germline): Uncertain significance. Review status: criteria provided, multiple submitters, no conflicts (2 of 4 stars). 2 submissions from 2 submitters: Uncertain significance (2). Last evaluated 2025-08-24.

Conditions:
Inborn genetic diseases. Identifiers: MedGen C0950123, MeSH D030342.

Allele frequency attached by ClinVar (database versions not stated): gnomAD exomes 0.00001; ExAC 0.00002; gnomAD 0.00012; TOPMed 0.00014.
gnomAD v4.1: 35 of 1,612,328 alleles (0.0022%); highest among the groups gnomAD compares: African/African-American, 0.036%; no homozygotes.

Submissions (2):

Ambry Genetics
Classification: Uncertain significance for Inborn genetic diseases. Last evaluated: 2025-08-24. Review status: criteria provided, single submitter. Criteria: Ambry Variant Classification Scheme 2023. Collection method: clinical testing. Allele origin: germline.

Labcorp Genetics (formerly Invitae), Labcorp
Classification: Uncertain significance. Last evaluated: 2022-07-15. Review status: criteria provided, single submitter. Criteria: Invitae Variant Classification Sherloc (09022015). Collection method: clinical testing. Allele origin: germline.
Comment: This sequence change replaces valine, which is neutral and non-polar, with isoleucine, which is neutral and non-polar, at codon 221 of the HPS3 protein (p.Val221Ile). This variant is present in population databases (rs143063861, gnomAD 0.04%). This variant has not been reported in the literature in individuals affected with HPS3-related conditions. Algorithms developed to predict the effect of missense changes on protein structure and function output the following: SIFT: "Tolerated"; PolyPhen-2: "Possibly Damaging"; Align-GVGD: "Class C0". The isoleucine amino acid residue is found in multiple mammalian species, which suggests that this missense change does not adversely affect protein function. In summary, the available evidence is currently insufficient to determine the role of this variant in disease. Therefore, it has been classified as a Variant of Uncertain Significance.